The following is an entry in ClinVar:

ClinVar aggregate classification (germline): Uncertain significance. Review status: criteria provided, multiple submitters, no conflicts (2 of 4 stars). 3 submissions from 3 submitters: Uncertain significance (3). Last evaluated 2025-06-15.

Allele frequency attached by ClinVar (database versions not stated): gnomAD exomes below 0.00001; TOPMed below 0.00001; ExAC 0.00003.
gnomAD v4.1: 3 of 1,613,938 alleles (0.00019%); highest among the groups gnomAD compares: Admixed American, 0.0033%; no homozygotes.

Submissions (3):

Ambry Genetics
Classification: Uncertain significance. Last evaluated: 2025-06-15. Review status: criteria provided, single submitter. Criteria: Ambry Variant Classification Scheme 2023. Collection method: clinical testing. Allele origin: germline.
Comment: The p.V494I variant (also known as c.1480G>A), located in coding exon 15 of the SRP72 gene, results from a G to A substitution at nucleotide position 1480. The valine at codon 494 is replaced by isoleucine, an amino acid with highly similar properties. This amino acid position is conserved. In addition, this alteration is predicted to be tolerated by in silico analysis. Based on the available evidence, the clinical significance of this variant remains unclear.

Labcorp Genetics (formerly Invitae), Labcorp
Classification: Uncertain significance. Last evaluated: 2023-12-02. Review status: criteria provided, single submitter. Criteria: Invitae Variant Classification Sherloc (09022015). Collection method: clinical testing. Allele origin: germline.
Comment: This sequence change replaces valine, which is neutral and non-polar, with isoleucine, which is neutral and non-polar, at codon 494 of the SRP72 protein (p.Val494Ile). This variant is present in population databases (rs775602395, gnomAD 0.009%). This variant has not been reported in the literature in individuals affected with SRP72-related conditions. ClinVar contains an entry for this variant (Variation ID: 1984179). Advanced modeling of protein sequence and biophysical properties (such as structural, functional, and spatial information, amino acid conservation, physicochemical variation, residue mobility, and thermodynamic stability) performed at Invitae indicates that this missense variant is not expected to disrupt SRP72 protein function with a negative predictive value of 80%. In summary, the available evidence is currently insufficient to determine the role of this variant in disease. Therefore, it has been classified as a Variant of Uncertain Significance.

Blueprint Genetics
Classification: Uncertain significance. Last evaluated: 2021-03-09. Review status: criteria provided, single submitter. Criteria: ACMG Guidelines, 2015. Collection method: clinical testing. Allele origin: germline.

NM_006947.4(SRP72):c.1480G>A (p.Val494Ile)

Gene: SRP72 (signal recognition particle 72; plus strand). Cytogenetic location: 4q12.
Variant type: single nucleotide variant.
Coding change: c.1480G>A on transcript NM_006947.4 (MANE Select); coding-DNA position 1480, G replaced by A.
Protein change: p.Val494Ile; replaces valine 494 with isoleucine.
Molecular consequence: missense variant. On other transcripts: non-coding transcript variant (1).
Genome position (GRCh38, 1-based): chr4:56,490,623, G>A. VCF-style: chr4-56490623-G-A. GRCh37 (hg19) VCF-style: chr4-57356789-G-A.
Other names: c.1297G>A, p.Val433Ile (NM_001267722.2); c.1480G>A (NM_006947.3); short protein forms V433I, V494I.
Identifiers: ClinVar variation 1984179 (VCV001984179.6), dbSNP rs775602395, ClinGen allele CA2931377.
Genomic context (GRCh38, chr4:56,490,623, plus strand): 5'-TTTAGACAAAATCCAAAAGATATTCACACCCTGGCACAGCTTATTTCTGCTTACTCACTT[G>A]TAGATCCAGAGAAAGCCAAAGCGTATCCTTTTGATTGTTATTCCTTACAGCTCCTCAGTA-3'
Protein context (NP_008878.3, residues 484-504): LAQLISAYSL[Val494Ile]DPEKAKALSK